The following is an entry in ClinVar:

NM_003392.7(WNT5A):c.1123G>A (p.Asp375Asn)

Gene: WNT5A (Wnt family member 5A; minus strand). Cytogenetic location: 3p14.3.
Variant type: single nucleotide variant.
Coding change: c.1123G>A on transcript NM_003392.7 (MANE Select); coding-DNA position 1123, G replaced by A.
Protein change: p.Asp375Asn; replaces aspartic acid 375 with asparagine.
Molecular consequence: missense variant.
Genome position (GRCh38, 1-based): chr3:55,470,112, C>T on the plus strand (G>A on the coding strand, the complement: WNT5A is on the minus strand). VCF-style: chr3-55470112-C-T. GRCh37 (hg19) VCF-style: chr3-55504140-C-T.
Other names: c.1123G>A (NM_003392.4); c.1078G>A, p.Asp360Asn (NM_001256105.1, NM_001377271.1, NM_001377272.1); short protein forms D360N, D375N.
Identifiers: ClinVar variation 1023432 (VCV001023432.8), dbSNP rs763566950, ClinGen allele CA2458907.

ClinVar aggregate classification (germline): Uncertain significance. Review status: criteria provided, multiple submitters, no conflicts (2 of 4 stars). 2 submissions from 2 submitters: Uncertain significance (2). Last evaluated 2025-12-11.

Conditions:
Autosomal dominant Robinow syndrome 1. Also called: ACRAL DYSOSTOSIS WITH FACIAL AND GENITAL ABNORMALITIES; FETAL FACE SYNDROME; Covesdem syndrome (formerly); Costovertebral segmentation defect with mesomelia (formerly); WNT5A-Related Robinow Syndrome, Autosomal Dominant; ROBINOW DWARFISM. Identifiers: Orphanet 3107, Orphanet 97360, MedGen C4551475, MONDO:0024455, OMIM 180700.

Allele frequency attached by ClinVar (database versions not stated): gnomAD exomes below 0.00001 and 0.00002; ExAC 0.00003; gnomAD 0.00007 and 0.00008; TOPMed 0.00008.
gnomAD v4.1: 29 of 1,613,968 alleles (0.0018%); highest among the groups gnomAD compares: African/African-American, 0.017%; no homozygotes.

Submissions (2):

Labcorp Genetics (formerly Invitae), Labcorp
Classification: Uncertain significance. Last evaluated: 2025-12-11. Review status: criteria provided, single submitter. Criteria: Invitae Variant Classification Sherloc (09022015). Collection method: clinical testing. Allele origin: germline.
Comment: This sequence change replaces aspartic acid, which is acidic and polar, with asparagine, which is neutral and polar, at codon 375 of the WNT5A protein (p.Asp375Asn). This variant is present in population databases (rs763566950, gnomAD 0.01%). This variant has not been reported in the literature in individuals affected with WNT5A-related conditions. ClinVar contains an entry for this variant (Variation ID: 1023432). Invitae Evidence Modeling of protein sequence and biophysical properties (such as structural, functional, and spatial information, amino acid conservation, physicochemical variation, residue mobility, and thermodynamic stability) indicates that this missense variant is not expected to disrupt WNT5A protein function with a negative predictive value of 80%. In summary, the available evidence is currently insufficient to determine the role of this variant in disease. Therefore, it has been classified as a Variant of Uncertain Significance.

Revvity Omics, Revvity
Classification: Uncertain significance for Autosomal dominant Robinow syndrome 1. Last evaluated: 2021-04-22. Review status: criteria provided, single submitter. Criteria: ACMG Guidelines, 2015. Collection method: clinical testing. Allele origin: germline.